The following is an entry in ClinVar:

NM_001024383.2(NAV3):c.3142G>A (p.Glu1048Lys)

Gene: NAV3 (neuron navigator 3; plus strand). Cytogenetic location: 12q21.2.
Variant type: single nucleotide variant.
Coding change: c.3142G>A on transcript NM_001024383.2 (MANE Select); coding-DNA position 3142, G replaced by A.
Protein change: p.Glu1048Lys; replaces glutamic acid 1048 with lysine.
Molecular consequence: missense variant.
Genome position (GRCh38, 1-based): chr12:78,119,338, G>A. VCF-style: chr12-78119338-G-A. GRCh37 (hg19) VCF-style: chr12-78513118-G-A.
Other names: c.3142G>A, p.Glu1048Lys (NM_014903.6); short protein forms E1048K.
Identifiers: ClinVar variation 3680623 (VCV003680623.2).

ClinVar aggregate classification (germline): Uncertain significance (1 of 4 stars; one submission).

Submission:

Labcorp Genetics (formerly Invitae), Labcorp
Classification: Uncertain significance. Last evaluated: 2024-10-25. Review status: criteria provided, single submitter. Criteria: Invitae Variant Classification Sherloc (09022015). Collection method: clinical testing. Allele origin: germline.
Comment: This sequence change replaces glutamic acid, which is acidic and polar, with lysine, which is basic and polar, at codon 1048 of the NAV3 protein (p.Glu1048Lys). This variant is not present in population databases (gnomAD no frequency). This variant has not been reported in the literature in individuals affected with NAV3-related conditions. An algorithm developed to predict the effect of missense changes on protein structure and function (PolyPhen-2) suggests that this variant is likely to be disruptive. In summary, the available evidence is currently insufficient to determine the role of this variant in disease. Therefore, it has been classified as a Variant of Uncertain Significance.